The following is an entry in ClinVar:

NM_024675.4(PALB2):c.1448C>T (p.Ser483Leu)

Gene: PALB2 (partner and localizer of BRCA2; minus strand). Cytogenetic location: 16p12.2.
Variant type: single nucleotide variant.
Coding change: c.1448C>T on transcript NM_024675.4 (MANE Select); coding-DNA position 1448, C replaced by T.
Protein change: p.Ser483Leu; replaces serine 483 with leucine.
Molecular consequence: missense variant.
Genome position (GRCh38, 1-based): chr16:23,635,098, G>A on the plus strand (C>T on the coding strand, the complement: PALB2 is on the minus strand). VCF-style: chr16-23635098-G-A. GRCh37 (hg19) VCF-style: chr16-23646419-G-A.
Other names: short protein forms S483L.
Identifiers: ClinVar variation 574201 (VCV000574201.21), dbSNP rs1057520736, ClinGen allele CA395131233.

ClinVar aggregate classification (germline): Uncertain significance. Review status: criteria provided, multiple submitters, no conflicts (2 of 4 stars). 6 submissions from 6 submitters: Uncertain significance (6). Last evaluated 2025-09-10.

Conditions:
Hereditary cancer-predisposing syndrome. Also called: Neoplastic Syndromes, Hereditary; Hereditary Cancer Syndrome; Tumor predisposition; Hereditary neoplastic syndrome. Identifiers: Orphanet 140162, MedGen C0027672, MeSH D009386, MONDO:0015356.
Familial cancer of breast. Also called: hereditary breast carcinoma; BREAST CANCER, FAMILIAL; Hereditary breast cancer. Identifiers: Orphanet 227535, MedGen C0346153, MONDO:0016419, OMIM 114480. Disease mechanism: loss of function.
Pancreatic cancer, susceptibility to, 3. Identifiers: Orphanet 1333, MedGen C3150547, MONDO:0013236, OMIM 613348.

Allele frequency attached by ClinVar (database versions not stated): TOPMed below 0.00001; gnomAD 0.00001; gnomAD exomes 0.00001.
gnomAD v4.1: 7 of 1,614,054 alleles (0.00043%); highest among the groups gnomAD compares: Non-Finnish European, 0.00051%; no homozygotes.

Submissions (6):

Labcorp Genetics (formerly Invitae), Labcorp
Classification: Uncertain significance for Familial cancer of breast. Last evaluated: 2025-09-10. Review status: criteria provided, single submitter. Criteria: Invitae Variant Classification Sherloc (09022015). Collection method: clinical testing. Allele origin: germline.
Comment: This sequence change replaces serine, which is neutral and polar, with leucine, which is neutral and non-polar, at codon 483 of the PALB2 protein (p.Ser483Leu). This variant is present in population databases (no rsID available, gnomAD 0.007%). This missense change has been observed in individual(s) with an unspecified personal and/or family history of cancer and/or breast cancer (PMID: 29522266, 31159747). ClinVar contains an entry for this variant (Variation ID: 574201). Invitae Evidence Modeling of protein sequence and biophysical properties (such as structural, functional, and spatial information, amino acid conservation, physicochemical variation, residue mobility, and thermodynamic stability) indicates that this missense variant is not expected to disrupt PALB2 protein function with a negative predictive value of 80%. In summary, the available evidence is currently insufficient to determine the role of this variant in disease. Therefore, it has been classified as a Variant of Uncertain Significance.

Ambry Genetics
Classification: Uncertain significance for Hereditary cancer-predisposing syndrome. Last evaluated: 2025-01-16. Review status: criteria provided, single submitter. Criteria: Ambry Variant Classification Scheme 2023. Collection method: clinical testing. Allele origin: germline.
Comment: The p.S483L variant (also known as c.1448C>T), located in coding exon 4 of the PALB2 gene, results from a C to T substitution at nucleotide position 1448. The serine at codon 483 is replaced by leucine, an amino acid with dissimilar properties. This amino acid position is well conserved in available vertebrate species. In addition, this alteration is predicted to be tolerated by in silico analysis. Based on the available evidence, the clinical significance of this variant remains unclear.

Color Diagnostics, LLC DBA Color Health
Classification: Uncertain significance for Hereditary cancer-predisposing syndrome. Last evaluated: 2024-01-09. Review status: criteria provided, single submitter. Criteria: ACMG Guidelines, 2015. Collection method: clinical testing. Allele origin: germline.
Comment: This missense variant replaces serine with leucine at codon 483 of the PALB2 protein. Computational prediction suggests that this variant may not impact protein structure and function. To our knowledge, functional studies have not been reported for this variant. This variant has been reported in at least two individuals affected with breast, ovarian and/or pancreatic cancer (PMID: 29522266; DOI 10.30569/adiyamansaglik.1378620) and in a breast cancer case-control meta-analysis in 0/60466 cases and 1/53461 unaffected individuals (PMID: 33471991; Leiden Open Variation Database DB-ID PALB2_011032). This variant has been identified in 1/31400 chromosomes in the general population by the Genome Aggregation Database (gnomAD). The available evidence is insufficient to determine the role of this variant in disease conclusively. Therefore, this variant is classified as a Variant of Uncertain Significance.

GeneDx
Classification: Uncertain significance. Last evaluated: 2023-01-04. Review status: criteria provided, single submitter. Criteria: GeneDx Variant Classification Process June 2021. Collection method: clinical testing. Allele origin: germline. Affected: yes.
Comment: Not observed at significant frequency in large population cohorts (gnomAD); In silico analysis supports that this missense variant has a deleterious effect on protein structure/function; Has not been previously published as pathogenic or benign to our knowledge; This variant is associated with the following publications: (PMID: 31159747)

Department of Pathology and Laboratory Medicine, Sinai Health System
Classification: Uncertain significance for Pancreatic cancer, susceptibility to, 3. Last evaluated: 2021-08-30. Review status: criteria provided, single submitter. Criteria: ACMG Guidelines, 2015. Collection method: clinical testing. Allele origin: germline. Affected: yes.

GeneKor MSA
Classification: Uncertain significance for Hereditary cancer-predisposing syndrome. Last evaluated: 2018-08-01. Review status: criteria provided, single submitter. Criteria: ACMG Guidelines, 2015. Collection method: clinical testing. Allele origin: germline. Affected: yes.

Literature cited by the submitters: PubMed 29522266 (cited by 3 submitters); PubMed 31159747 (cited by Labcorp Genetics (formerly Invitae), Labcorp and Department of Pathology and Laboratory Medicine, Sinai Health System); PubMed 33471991 (cited by Color Diagnostics, LLC DBA Color Health).